The following is an entry in ClinVar:

NM_004629.2(FANCG):c.601C>T (p.Gln201Ter)

Gene: FANCG (FA complementation group G; minus strand). Cytogenetic location: 9p13.3.
Variant type: single nucleotide variant.
Coding change: c.601C>T on transcript NM_004629.2 (MANE Select); coding-DNA position 601, C replaced by T.
Protein change: p.Gln201Ter; replaces glutamine 201 with a stop codon.
Molecular consequence: nonsense.
Genome position (GRCh38, 1-based): chr9:35,077,309, G>A on the plus strand (C>T on the coding strand, the complement: FANCG is on the minus strand). VCF-style: chr9-35077309-G-A. GRCh37 (hg19) VCF-style: chr9-35077306-G-A.
Other names: short protein forms Q201*.
Identifiers: ClinVar variation 2738859 (VCV002738859.4), dbSNP rs1829103547, ClinGen allele CA373314038.
Genomic context (GRCh38, chr9:35,077,309, plus strand): 5'-AGGTTGCTAGCTGACCTTGGCGGTAGGCAAATGCTGTCAGGAGGACATCCTTCAATCCCT[G>A]GGCATCCTGCAGGGTCAATGGAGCATCTAATTCCTCAGCTGGGGGACTCCAAGTTTTCAG-3'

ClinVar aggregate classification (germline): Pathogenic/Likely pathogenic. Review status: criteria provided, multiple submitters, no conflicts (2 of 4 stars). 2 submissions from 2 submitters: Pathogenic (1); Likely pathogenic (1). Last evaluated 2025-04-18.

Conditions:
Fanconi anemia (FA). Also called: Fanconi's anemia. Identifiers: Orphanet 84, MedGen C0015625, MeSH D005199, MONDO:0019391.
Fanconi anemia complementation group G. Also called: Fanconi anemia group G; FANCG-Related Fanconi Anemia. Identifiers: Orphanet 84, MedGen C3469527, MONDO:0013565, OMIM 614082.

Allele frequency attached by ClinVar (database versions not stated): gnomAD exomes below 0.00001; TOPMed below 0.00001.

Submissions (2):

Natera, Inc.
Classification: Likely pathogenic for Fanconi anemia group G. Last evaluated: 2025-04-18. Review status: criteria provided, single submitter. Criteria: Natera Variant Classification Schema (03/2026). Collection method: clinical testing. Allele origin: germline.
Comment: The c.601C>T variant in FANCG is a nonsense variant predicted to introduce a stop codon at amino acid 201. This variant is expected to result in nonsense mediated decay, truncation, or a dysfunctional protein product. This variant is rare in the general population with a frequency below the threshold expected for the associated phenotype(s). Given the available evidence, this variant is classified as Likely Pathogenic.

Labcorp Genetics (formerly Invitae), Labcorp
Classification: Pathogenic for Fanconi anemia. Last evaluated: 2023-05-13. Review status: criteria provided, single submitter. Criteria: Invitae Variant Classification Sherloc (09022015). Collection method: clinical testing. Allele origin: germline.
Comment: For these reasons, this variant has been classified as Pathogenic. This variant has not been reported in the literature in individuals affected with FANCG-related conditions. This variant is not present in population databases (gnomAD no frequency). This sequence change creates a premature translational stop signal (p.Gln201*) in the FANCG gene. It is expected to result in an absent or disrupted protein product. Loss-of-function variants in FANCG are known to be pathogenic (PMID: 12552564).

Literature cited by the submitters: PubMed 12552564 (cited by Labcorp Genetics (formerly Invitae), Labcorp).